The following is an entry in ClinVar:

ClinVar aggregate classification (germline): Conflicting classifications of pathogenicity. Review status: criteria provided, conflicting classifications (1 of 4 stars). 2 submissions from 2 submitters: Likely pathogenic (1); Uncertain significance (1). Last evaluated 2024-08-05.

Conditions:
Hereditary cancer-predisposing syndrome. Also called: Tumor predisposition; Neoplastic Syndromes, Hereditary; Hereditary Cancer Syndrome; Hereditary neoplastic syndrome. Identifiers: Orphanet 140162, MedGen C0027672, MeSH D009386, MONDO:0015356.

Submissions (2):

Blueprint Genetics
Classification: Uncertain significance. Last evaluated: 2024-08-05. Review status: criteria provided, single submitter. Criteria: ACMG Guidelines, 2015. Collection method: clinical testing. Allele origin: germline.

Ambry Genetics
Classification: Likely pathogenic for Hereditary cancer-predisposing syndrome. Last evaluated: 2023-05-11. Review status: criteria provided, single submitter. Criteria: Ambry Variant Classification Scheme 2023. Collection method: clinical testing. Allele origin: germline.
Comment: The p.R452L variant (also known as c.1355G>T), located in coding exon 9 of the MEN1 gene, results from a G to T substitution at nucleotide position 1355. The arginine at codon 452 is replaced by leucine, an amino acid with dissimilar properties. This alteration has been observed in at least one individual with a personal and/or family history that is consistent with MEN1-related disease (Ambry internal data). Another alteration at the same codon, p.R452W (c.1354C>T), has been reported in multiple families with clinical features of MEN1 (Pardi E et al. PLoS ONE 2017 Oct;12(10):e0186485; Ambry internal data), and is predicted to have a damaging impact on protein structure (Shi A et al. Blood, 2012 Nov;120:4461-9; Ambry internal data). This variant is considered to be rare based on population cohorts in the Genome Aggregation Database (gnomAD). This amino acid position is highly conserved in available vertebrate species. In addition, this alteration is predicted to be deleterious by in silico analysis. Based on the majority of available evidence to date, this variant is likely to be pathogenic.

NM_001370259.2(MEN1):c.1355G>T (p.Arg452Leu)

Gene: MEN1 (menin 1; minus strand). Cytogenetic location: 11q13.1.
Variant type: single nucleotide variant.
Coding change: c.1355G>T on transcript NM_001370259.2 (MANE Select); coding-DNA position 1355, G replaced by T.
Protein change: p.Arg452Leu; replaces arginine 452 with leucine.
Molecular consequence: missense variant. On other transcripts: non-coding transcript variant (4).
Genome position (GRCh38, 1-based): chr11:64,804,812, C>A on the plus strand (G>T on the coding strand, the complement: MEN1 is on the minus strand). VCF-style: chr11-64804812-C-A. GRCh37 (hg19) VCF-style: chr11-64572284-C-A.
Other names: c.1370G>T, p.Arg457Leu (NM_000244.4, NM_001407145.1, NM_130800.3 and 4 more transcripts); c.1481G>T, p.Arg494Leu (NM_001370251.2, NM_001407142.1, NM_001407143.1 and 1 more transcripts); c.1355G>T, p.Arg452Leu (NM_001370260.2, NM_001370261.2, NM_001407146.1 and 2 more transcripts); c.1250G>T, p.Arg417Leu (NM_001370262.2, NM_001370263.2, NM_001407148.1 and 1 more transcripts); c.1496G>T, p.Arg499Leu (NM_001407150.1); c.1376G>T, p.Arg459Leu (NM_001407151.1); c.1190G>T, p.Arg397Leu (NM_001407152.1); short protein forms R494L, R499L, R397L, R417L, R457L, R459L, R452L.
Identifiers: ClinVar variation 2564967 (VCV002564967.3), dbSNP rs775922507, ClinGen allele CA381179934.